The following is an entry in ClinVar:

NM_006269.2(RP1):c.4496A>G (p.Glu1499Gly)

Gene: RP1 (RP1 axonemal microtubule associated; plus strand). Cytogenetic location: 8q12.1.
Variant type: single nucleotide variant.
Coding change: c.4496A>G on transcript NM_006269.2 (MANE Select); coding-DNA position 4496, A replaced by G.
Protein change: p.Glu1499Gly; replaces glutamic acid 1499 with glycine.
Molecular consequence: missense variant. On other transcripts: intron variant (1).
Genome position (GRCh38, 1-based): chr8:54,628,378, A>G. VCF-style: chr8-54628378-A-G. GRCh37 (hg19) VCF-style: chr8-55540938-A-G.
Other names: c.787+6090A>G (NM_001375654.1); short protein forms E1499G.
Identifiers: ClinVar variation 949125 (VCV000949125.9), dbSNP rs1311794892, ClinGen allele CA370982448.

ClinVar aggregate classification (germline): Uncertain significance (1 of 4 stars; one submission).

Allele frequency attached by ClinVar (database versions not stated): gnomAD exomes below 0.00001; TOPMed below 0.00001.
gnomAD v4.1: 1 of 1,613,734 alleles (0.000062%); highest among the groups gnomAD compares: Admixed American, 0.0017%; no homozygotes.

Submission:

Labcorp Genetics (formerly Invitae), Labcorp
Classification: Uncertain significance. Last evaluated: 2025-03-18. Review status: criteria provided, single submitter. Criteria: Invitae Variant Classification Sherloc (09022015). Collection method: clinical testing. Allele origin: germline.
Comment: This sequence change replaces glutamic acid, which is acidic and polar, with glycine, which is neutral and non-polar, at codon 1499 of the RP1 protein (p.Glu1499Gly). This variant is present in population databases (no rsID available, gnomAD 0.003%). This variant has not been reported in the literature in individuals affected with RP1-related conditions. ClinVar contains an entry for this variant (Variation ID: 949125). An algorithm developed to predict the effect of missense changes on protein structure and function (PolyPhen-2) suggests that this variant is likely to be disruptive. Algorithms developed to predict the effect of sequence changes on RNA splicing suggest that this variant may create or strengthen a splice site. In summary, the available evidence is currently insufficient to determine the role of this variant in disease. Therefore, it has been classified as a Variant of Uncertain Significance.